The following is an entry in ClinVar:

ClinVar aggregate classification (germline): Uncertain significance (1 of 4 stars; one submission).

Conditions:
Hereditary cancer-predisposing syndrome. Also called: Hereditary neoplastic syndrome; Hereditary Cancer Syndrome; Neoplastic Syndromes, Hereditary; Tumor predisposition. Identifiers: Orphanet 140162, MedGen C0027672, MeSH D009386, MONDO:0015356.

Submission:

Ambry Genetics
Classification: Uncertain significance for Hereditary cancer-predisposing syndrome. Last evaluated: 2023-04-07. Review status: criteria provided, single submitter. Criteria: Ambry Variant Classification Scheme 2023. Collection method: clinical testing. Allele origin: germline.
Comment: The p.H2149Y variant (also known as c.6445C>T), located in coding exon 15 of the APC gene, results from a C to T substitution at nucleotide position 6445. The histidine at codon 2149 is replaced by tyrosine, an amino acid with similar properties. This amino acid position is well conserved in available vertebrate species. In addition, in silico predictors for this gene do not accurately predict pathogenicity. Since supporting evidence is limited at this time, the clinical significance of this alteration remains unclear.

NM_000038.6(APC):c.6445C>T (p.His2149Tyr)

Gene: APC (APC regulator of Wnt signaling pathway; plus strand). Cytogenetic location: 5q22.2.
Variant type: single nucleotide variant.
Coding change: c.6445C>T on transcript NM_000038.6 (MANE Select); coding-DNA position 6445, C replaced by T.
Protein change: p.His2149Tyr; replaces histidine 2149 with tyrosine.
Molecular consequence: missense variant. On other transcripts: non-coding transcript variant (2).
Genome position (GRCh38, 1-based): chr5:112,842,039, C>T. VCF-style: chr5-112842039-C-T. GRCh37 (hg19) VCF-style: chr5-112177736-C-T.
Other names: c.6445C>T, p.His2149Tyr (NM_001127510.3, NM_001354895.2, NM_001407450.1); c.6391C>T, p.His2131Tyr (NM_001127511.3); c.6499C>T, p.His2167Tyr (NM_001354896.2, NM_001407447.1, NM_001407448.1 and 1 more transcripts); c.6475C>T, p.His2159Tyr (NM_001354897.2); c.6370C>T, p.His2124Tyr (NM_001354898.2); c.6361C>T, p.His2121Tyr (NM_001354899.2); c.6322C>T, p.His2108Tyr (NM_001354900.2); c.6268C>T, p.His2090Tyr (NM_001354901.2, NM_001407453.1); and 11 more; short protein forms H1765Y, H2023Y, H2048Y, H2139Y, H1866Y, H1989Y, H2058Y, H2090Y.
Identifiers: ClinVar variation 2566944 (VCV002566944.2), dbSNP rs2149965057, ClinGen allele CA16035434.